The following is an entry in ClinVar:

ClinVar aggregate classification (germline): Uncertain significance. Review status: criteria provided, multiple submitters, no conflicts (2 of 4 stars). 4 submissions from 4 submitters: Uncertain significance (4). Last evaluated 2026-07-01.

Allele frequency attached by ClinVar (database versions not stated): gnomAD 0.00001; TOPMed 0.00002; ExAC 0.00003; gnomAD exomes 0.00003 and 0.00005.
gnomAD v4.1: 48 of 1,611,156 alleles (0.003%); highest among the groups gnomAD compares: South Asian, 0.013%; no homozygotes.

Submissions (4):

CeGaT Center for Human Genetics Tuebingen
Classification: Uncertain significance. Last evaluated: 2026-07-01. Review status: criteria provided, single submitter. Criteria: CeGaT Center For Human Genetics Tuebingen Variant Classification Criteria Version 2. Collection method: clinical testing. Allele origin: germline. Affected: yes. Observed: 1 variant allele.
Comment: GUF1: PM2

Labcorp Genetics (formerly Invitae), Labcorp
Classification: Uncertain significance. Last evaluated: 2025-12-01. Review status: criteria provided, single submitter. Criteria: Invitae Variant Classification Sherloc (09022015). Collection method: clinical testing. Allele origin: germline.
Comment: This sequence change replaces methionine, which is neutral and non-polar, with valine, which is neutral and non-polar, at codon 356 of the GUF1 protein (p.Met356Val). This variant is present in population databases (rs763260672, gnomAD 0.02%). This variant has not been reported in the literature in individuals affected with GUF1-related conditions. ClinVar contains an entry for this variant (Variation ID: 1409878). Invitae Evidence Modeling of protein sequence and biophysical properties (such as structural, functional, and spatial information, amino acid conservation, physicochemical variation, residue mobility, and thermodynamic stability) indicates that this missense variant is not expected to disrupt GUF1 protein function with a negative predictive value of 80%. In summary, the available evidence is currently insufficient to determine the role of this variant in disease. Therefore, it has been classified as a Variant of Uncertain Significance.

Ambry Genetics
Classification: Uncertain significance. Last evaluated: 2025-08-25. Review status: criteria provided, single submitter. Criteria: Ambry Variant Classification Scheme 2023. Collection method: clinical testing. Allele origin: germline.

Blueprint Genetics
Classification: Uncertain significance. Last evaluated: 2024-09-20. Review status: criteria provided, single submitter. Criteria: ACMG Guidelines, 2015. Collection method: clinical testing. Allele origin: germline.

NM_021927.3(GUF1):c.1066A>G (p.Met356Val)

Gene: GUF1 (GTP binding elongation factor GUF1; plus strand). Cytogenetic location: 4p12.
Variant type: single nucleotide variant.
Coding change: c.1066A>G on transcript NM_021927.3 (MANE Select); coding-DNA position 1066, A replaced by G.
Protein change: p.Met356Val; replaces methionine 356 with valine.
Molecular consequence: missense variant.
Genome position (GRCh38, 1-based): chr4:44,688,134, A>G. VCF-style: chr4-44688134-A-G. GRCh37 (hg19) VCF-style: chr4-44690151-A-G.
Other names: c.1066A>G (NM_021927.2); c.94A>G, p.Met32Val (NM_001345867.2, NM_001345869.2); c.1066A>G, p.Met356Val (NM_001345868.2); short protein forms M32V, M356V.
Identifiers: ClinVar variation 1409878 (VCV001409878.11), dbSNP rs763260672, ClinGen allele CA2905524.